The following is an entry in ClinVar:

NM_015662.3(IFT172):c.3503C>G (p.Ala1168Gly)

Genes: IFT172 (intraflagellar transport 172; minus strand), LOC126806173 (BRD4-independent group 4 enhancer GRCh37_chr2:27676057-27677256; plus strand). Cytogenetic location: 2p23.3.
Variant type: single nucleotide variant.
Coding change: c.3503C>G on transcript NM_015662.3 (MANE Select); coding-DNA position 3503, C replaced by G.
Protein change: p.Ala1168Gly; replaces alanine 1168 with glycine.
Molecular consequence: missense variant.
Genome position (GRCh38, 1-based): chr2:27,454,381, G>C on the plus strand (C>G on the coding strand, the complement: IFT172 is on the minus strand). VCF-style: chr2-27454381-G-C. GRCh37 (hg19) VCF-style: chr2-27677248-G-C.
Other names: c.3437C>G, p.Ala1146Gly (NM_001410739.1); short protein forms A1168G, A1146G.
Identifiers: ClinVar variation 4991212 (VCV004991212.1).

ClinVar aggregate classification (germline): Uncertain significance (1 of 4 stars; one submission).

Conditions:
IFT172-related disorder. Also called: IFT172-related disorders; IFT172-related condition.

Submission:

PreventionGenetics, part of Exact Sciences
Classification: Uncertain significance for IFT172-related condition. Last evaluated: 2026-07-13. Review status: criteria provided, single submitter. Criteria: ACMG Guidelines, 2015. Collection method: clinical testing. Allele origin: germline.
Comment: The IFT172 c.3503C>G variant is predicted to result in the amino acid substitution p.Ala1168Gly. To our knowledge, this variant has not been reported in the literature or in a large population database (gnomAD), indicating this variant is rare. At this time, the clinical significance of this variant is uncertain due to the absence of conclusive functional and genetic evidence.